The following is an entry in ClinVar:

ClinVar aggregate classification (germline): Uncertain significance (1 of 4 stars; one submission).

Allele frequency attached by ClinVar (database versions not stated): gnomAD exomes below 0.00001.
gnomAD v4.1: 1 of 1,614,206 alleles (0.000062%); highest among the groups gnomAD compares: Non-Finnish European, 0.000085%; no homozygotes.

Submission:

Labcorp Genetics (formerly Invitae), Labcorp
Classification: Uncertain significance. Last evaluated: 2022-09-14. Review status: criteria provided, single submitter. Criteria: Invitae Variant Classification Sherloc (09022015). Collection method: clinical testing. Allele origin: germline.
Comment: This sequence change replaces leucine, which is neutral and non-polar, with phenylalanine, which is neutral and non-polar, at codon 636 of the MTOR protein (p.Leu636Phe). This variant is not present in population databases (gnomAD no frequency). This variant has not been reported in the literature in individuals affected with MTOR-related conditions. Advanced modeling of protein sequence and biophysical properties (such as structural, functional, and spatial information, amino acid conservation, physicochemical variation, residue mobility, and thermodynamic stability) performed at Invitae indicates that this missense variant is not expected to disrupt MTOR protein function. In summary, the available evidence is currently insufficient to determine the role of this variant in disease. Therefore, it has been classified as a Variant of Uncertain Significance.

NM_004958.4(MTOR):c.1906C>T (p.Leu636Phe)

Gene: MTOR (mechanistic target of rapamycin kinase; minus strand). Cytogenetic location: 1p36.22.
Variant type: single nucleotide variant.
Coding change: c.1906C>T on transcript NM_004958.4 (MANE Select); coding-DNA position 1906, C replaced by T.
Protein change: p.Leu636Phe; replaces leucine 636 with phenylalanine.
Molecular consequence: missense variant.
Genome position (GRCh38, 1-based): chr1:11,238,498, G>A on the plus strand (C>T on the coding strand, the complement: MTOR is on the minus strand). VCF-style: chr1-11238498-G-A. GRCh37 (hg19) VCF-style: chr1-11298555-G-A.
Other names: c.1906C>T, p.Leu636Phe (NM_001386500.1); c.658C>T, p.Leu220Phe (NM_001386501.1); short protein forms L220F, L636F.
Identifiers: ClinVar variation 1719370 (VCV001719370.5), dbSNP rs2523316989, ClinGen allele CA338389502.
Genomic context (GRCh38, chr1:11,238,498, plus strand): 5'-GCACATCTGCCACCACTTGCACTGCGGTCTGGCTAACCACATGAGCATGGCCACTGATGA[G>A]GTGGATGGAGGGTGTGAGCAGGCGGGAGCAGGTGCGGGCAGCCTCCATGCGGATCTCCTT-3'
Protein context (NP_004949.1, residues 626-646): CSRLLTPSIH[Leu636Phe]ISGHAHVVSQ